The following is an entry in ClinVar:

ClinVar aggregate classification (germline): Pathogenic (1 of 4 stars; one submission).

Conditions:
Exostoses, multiple, type 2 (EXT2). Also called: Hereditary Multiple Osteochondromatosis, Type II; EXOSTOSES, MULTIPLE, TYPE II. Identifiers: Orphanet 321, MedGen C1851413, MONDO:0007586, OMIM 133701.

Submission:

Labcorp Genetics (formerly Invitae), Labcorp
Classification: Pathogenic for Exostoses, multiple, type 2. Last evaluated: 2025-08-04. Review status: criteria provided, single submitter. Criteria: Invitae Variant Classification Sherloc (09022015). Collection method: clinical testing. Allele origin: germline.
Comment: This sequence change creates a premature translational stop signal (p.Gly246Aspfs*24) in the EXT2 gene. It is expected to result in an absent or disrupted protein product. Loss-of-function variants in EXT2 are known to be pathogenic (PMID: 10679937, 19810120). This variant is not present in population databases (gnomAD no frequency). This variant has not been reported in the literature in individuals affected with EXT2-related conditions. ClinVar contains an entry for this variant (Variation ID: 3726314). For these reasons, this variant has been classified as Pathogenic.

Literature cited by the submitters: PubMed 10679937; PubMed 19810120.

NM_207122.2(EXT2):c.735del (p.Gly246fs)

Gene: EXT2 (exostosin glycosyltransferase 2; plus strand). Cytogenetic location: 11p11.2.
Variant type: Deletion.
Coding change: c.735del on transcript NM_207122.2 (MANE Select); coding-DNA position 735, one base deleted (A; older notation c.735delA).
Protein change: p.Gly246fs; shifts the reading frame from glycine 246.
Molecular consequence: frameshift variant.
Genome position (GRCh38, 1-based): chr11:44,114,293, A deleted; the last of 3 consecutive A bases (chr11:44,114,291-44,114,293); deleting any one gives the same sequence. VCF-style (leftmost placement, unchanged base first): chr11-44114290-GA-G. GRCh37 (hg19) VCF-style: chr11-44135840-GA-G.
Other names: c.834del, p.Gly279fs (NM_000401.3); c.735del, p.Gly246fs (NM_001178083.3, NM_001389628.1, NM_001389630.1); short protein forms G279fs, G246fs.
Identifiers: ClinVar variation 3726314 (VCV003726314.2).